The following is an entry in ClinVar:

NM_014251.3(SLC25A13):c.1164del (p.Phe388fs)

Gene: SLC25A13 (solute carrier family 25 member 13; minus strand). Cytogenetic location: 7q21.3.
Variant type: Deletion.
Coding change: c.1164del on transcript NM_014251.3 (MANE Select); coding-DNA position 1164, one base deleted (T; older notation c.1164delT).
Protein change: p.Phe388fs; shifts the reading frame from phenylalanine 388.
Molecular consequence: frameshift variant. On other transcripts: non-coding transcript variant (1).
Genome position (GRCh38, 1-based): chr7:96,184,290, A deleted on the plus strand (T on the coding strand, the reverse complement: SLC25A13 is on the minus strand); the first of 3 consecutive A bases (chr7:96,184,290-96,184,292); deleting any one gives the same sequence. VCF-style (leftmost placement, unchanged base first): chr7-96184289-CA-C. GRCh37 (hg19) VCF-style: chr7-95813601-CA-C.
Other names: c.1167del, p.Phe389fs (NM_001160210.2); short protein forms F388fs, F389fs.
Identifiers: ClinVar variation 2844679 (VCV002844679.3), dbSNP rs59507540, ClinGen allele CA2739277899.

ClinVar aggregate classification (germline): Pathogenic (1 of 4 stars; one submission).

Conditions:
Citrin deficiency. Identifiers: Orphanet 247582, MedGen C1997910, MONDO:0016602.

Submission:

Labcorp Genetics (formerly Invitae), Labcorp
Classification: Pathogenic for Citrin deficiency. Last evaluated: 2023-03-18. Review status: criteria provided, single submitter. Criteria: Invitae Variant Classification Sherloc (09022015). Collection method: clinical testing. Allele origin: germline.
Comment: This sequence change creates a premature translational stop signal (p.Phe388Leufs*20) in the SLC25A13 gene. It is expected to result in an absent or disrupted protein product. Loss-of-function variants in SLC25A13 are known to be pathogenic (PMID: 10369257, 14680984, 27405544). For these reasons, this variant has been classified as Pathogenic. This variant has not been reported in the literature in individuals affected with SLC25A13-related conditions. This variant is not present in population databases (gnomAD no frequency).

Literature cited by the submitters: PubMed 10369257; PubMed 14680984; PubMed 27405544.